The following is an entry in ClinVar:

ClinVar aggregate classification (germline): Benign. Review status: criteria provided, multiple submitters, no conflicts (2 of 4 stars). 2 submissions from 2 submitters: Benign (2). Last evaluated 2018-01-13.

Conditions:
Acrodysostosis 2 with or without hormone resistance. Also called: ACRODYSOSTOSIS 2 WITH HORMONE RESISTANCE; ACRODYSOSTOSIS 2 WITHOUT HORMONE RESISTANCE. Identifiers: Orphanet 280651, MedGen C3553250, MONDO:0013822, OMIM 614613.

Allele frequency attached by ClinVar (database versions not stated): gnomAD exomes 0.05263; gnomAD 0.07267 and 0.07271; 1000 Genomes Project 0.07348; 1000 Genomes Project 30x 0.07495; TOPMed 0.07502.
gnomAD v4.1: 11,124 of 152,266 alleles (7.3%); highest among the groups gnomAD compares: Admixed American, 14%; 590 homozygotes.

Submissions (2):

Illumina Laboratory Services, Illumina
Classification: Benign for Acrodysostosis 2 with or without hormone resistance. Last evaluated: 2018-01-13. Review status: criteria provided, single submitter. Criteria: ICSL Variant Classification Criteria 13 December 2019. Collection method: clinical testing. Allele origin: germline.
Comment: This variant was observed in the ICSL laboratory as part of a predisposition screen in an ostensibly healthy population. It had not been previously curated by ICSL or reported in the Human Gene Mutation Database (HGMD: prior to June 1st, 2018), and was therefore a candidate for classification through an automated scoring system. Utilizing variant allele frequency, disease prevalence and penetrance estimates, and inheritance mode, an automated score was calculated to assess if this variant is too frequent to cause the disease. Based on the score and internal cut-off values, a variant classified as benign is not then subjected to further curation. The score for this variant resulted in a classification of benign for this disease.

Breakthrough Genomics
Classification: Benign. Review status: criteria provided, single submitter. Criteria: ACMG Guidelines, 2015. Collection method: not provided. Allele origin: germline. Inheritance: Autosomal dominant inheritance. Affected: yes.

NM_001104631.2(PDE4D):c.*5241T>C

Gene: PDE4D (phosphodiesterase 4D; minus strand). Cytogenetic location: 5q11.2.
Variant type: single nucleotide variant.
Coding change: c.*5241T>C on transcript NM_001104631.2 (MANE Select); 5241 bases downstream of the stop codon, T replaced by C.
Molecular consequence: 3 prime UTR variant.
Genome position (GRCh38, 1-based): chr5:58,969,423, A>G on the plus strand (T>C on the coding strand, the complement: PDE4D is on the minus strand). VCF-style: chr5-58969423-A-G. GRCh37 (hg19) VCF-style: chr5-58265250-A-G.
Other names: c.*5241T>C (NM_001165899.2, NM_001197218.2, NM_001197219.2 and 11 more transcripts).
Identifiers: ClinVar variation 353911 (VCV000353911.6), dbSNP rs11950495, ClinGen allele CA10624987.